The following is an entry in ClinVar:

NM_007289.4(MME):c.1497+5G>C

Gene: MME (membrane metalloendopeptidase; plus strand). Cytogenetic location: 3q25.2.
Variant type: single nucleotide variant.
Coding change: c.1497+5G>C on transcript NM_007289.4 (MANE Select); 5 bases into the intron after coding-DNA position 1497, G replaced by C.
Molecular consequence: intron variant.
Genome position (GRCh38, 1-based): chr3:155,147,229, G>C. VCF-style: chr3-155147229-G-C. GRCh37 (hg19) VCF-style: chr3-154865018-G-C.
Other names: c.1497+5G>C (NM_001354642.2, NM_000902.5, NM_007287.4 and 2 more transcripts).
Identifiers: ClinVar variation 4681897 (VCV004681897.5).

ClinVar aggregate classification (germline): Uncertain significance (1 of 4 stars; one submission).

gnomAD v4.1: 1 of 1,562,244 alleles (0.000064%); highest among the groups gnomAD compares: East Asian, 0.0022%; no homozygotes.

Submission:

CeGaT Center for Human Genetics Tuebingen
Classification: Uncertain significance. Last evaluated: 2025-12-01. Review status: criteria provided, single submitter. Criteria: CeGaT Center For Human Genetics Tuebingen Variant Classification Criteria Version 2. Collection method: clinical testing. Allele origin: germline. Affected: yes. Observed: 1 variant allele.
Comment: MME: PM2